The following is an entry in ClinVar:

NM_001085049.3(MRAS):c.197T>A (p.Leu66Gln)

Gene: MRAS (muscle RAS oncogene homolog; plus strand). Cytogenetic location: 3q22.3.
Variant type: single nucleotide variant.
Coding change: c.197T>A on transcript NM_001085049.3 (MANE Select); coding-DNA position 197, T replaced by A.
Protein change: p.Leu66Gln; replaces leucine 66 with glutamine.
Molecular consequence: missense variant. On other transcripts: 5 prime UTR variant (3).
Genome position (GRCh38, 1-based): chr3:138,397,327, T>A. VCF-style: chr3-138397327-T-A. GRCh37 (hg19) VCF-style: chr3-138116169-T-A.
Other names: c.197T>A, p.Leu66Gln (NM_001252090.2, NM_012219.4); c.-32T>A (NM_001252091.1, NM_001252092.2, NM_001252093.2); short protein forms L66Q.
Identifiers: ClinVar variation 985724 (VCV000985724.4), dbSNP rs2055258576, ClinGen allele CA354672324.

ClinVar aggregate classification (germline): Uncertain significance (1 of 4 stars; one submission).

Conditions:
Inborn genetic diseases. Identifiers: MedGen C0950123, MeSH D030342.

Submission:

Ambry Genetics
Classification: Uncertain significance for Inborn genetic diseases. Last evaluated: 2020-01-22. Review status: criteria provided, single submitter. Criteria: Ambry Variant Classification Scheme 2023. Collection method: clinical testing. Allele origin: germline.
Comment: The alteration results in an amino acid change:_x000D_ _x000D_ The c.197T>A (p.L66Q) alteration is located in exon 3 (coding exon 2) of the MRAS gene. This alteration results from a T to A substitution at nucleotide position 197, causing the leucine (L) at amino acid position 66 to be replaced by a glutamine (Q). The alteration is not observed in population databases:_x000D_ _x000D_ Based on data from the Genome Aggregation Database (gnomAD), the MRAS c.197T>A alteration was not observed, with coverage at this position. The altered amino acid is conserved throughout evolution:_x000D_ _x000D_ The p.L66 amino acid is conserved in available vertebrate species. The alteration is predicted deleterious by in silico modeling:_x000D_ _x000D_ The p.L66Q alteration is predicted to be deleterious by in silico analysis. Based on insufficient or conflicting evidence, the clinical significance of this alteration remains unclear.